The following is an entry in ClinVar:

ClinVar aggregate classification (germline): Uncertain significance (1 of 4 stars; one submission).

Conditions:
Cranioectodermal dysplasia 1 (CED1). Also called: LEVIN SYNDROME I. Identifiers: Orphanet 1515, MedGen C0432235, MONDO:0021093, OMIM 218330.

Submission:

Labcorp Genetics (formerly Invitae), Labcorp
Classification: Uncertain significance for Cranioectodermal dysplasia 1. Last evaluated: 2023-06-05. Review status: criteria provided, single submitter. Criteria: Invitae Variant Classification Sherloc (09022015). Collection method: clinical testing. Allele origin: germline.
Comment: In summary, the available evidence is currently insufficient to determine the role of this variant in disease. Therefore, it has been classified as a Variant of Uncertain Significance. Algorithms developed to predict the effect of sequence changes on RNA splicing suggest that this variant may disrupt the consensus splice site. This variant has not been reported in the literature in individuals affected with IFT122-related conditions. This variant is not present in population databases (gnomAD no frequency). This sequence change falls in intron 2 of the IFT122 gene. It does not directly change the encoded amino acid sequence of the IFT122 protein.

NM_052989.3(IFT122):c.109-7T>C

Gene: IFT122 (intraflagellar transport 122; plus strand). Cytogenetic location: 3q21.3.
Variant type: single nucleotide variant.
Coding change: c.109-7T>C on transcript NM_052989.3 (MANE Select); 7 bases into the intron before coding-DNA position 109, T replaced by C.
Molecular consequence: intron variant.
Genome position (GRCh38, 1-based): chr3:129,451,907, T>C. VCF-style: chr3-129451907-T-C. GRCh37 (hg19) VCF-style: chr3-129170750-T-C.
Other names: c.-493-7T>C (NM_001280545.2); c.109-7T>C (NM_052985.4, NM_001280541.2, NM_001410808.1 and 8 more transcripts); c.-263-7T>C (NM_001280546.2).
Identifiers: ClinVar variation 2771574 (VCV002771574.3), dbSNP rs2531104285, ClinGen allele CA2667608928.